The following is an entry in ClinVar:

NM_001283009.2(RTEL1):c.2381T>C (p.Leu794Pro)

Genes: RTEL1 (regulator of telomere elongation helicase 1; plus strand), RTEL1-TNFRSF6B (RTEL1-TNFRSF6B readthrough (NMD candidate); plus strand). Cytogenetic location: 20q13.33.
Variant type: single nucleotide variant.
Coding change: c.2381T>C on transcript NM_001283009.2 (MANE Select); coding-DNA position 2381, T replaced by C.
Protein change: p.Leu794Pro; replaces leucine 794 with proline.
Molecular consequence: missense variant. On other transcripts: non-coding transcript variant (1).
Genome position (GRCh38, 1-based): chr20:63,690,409, T>C. VCF-style: chr20-63690409-T-C. GRCh37 (hg19) VCF-style: chr20-62321762-T-C.
Other names: c.1712T>C, p.Leu571Pro (NM_001283010.1); c.2381T>C, p.Leu794Pro (NM_016434.4); c.2453T>C, p.Leu818Pro (NM_032957.5); short protein forms L571P, L794P, L818P.
Identifiers: ClinVar variation 3435940 (VCV003435940.1).

ClinVar aggregate classification (germline): Uncertain significance (1 of 4 stars; one submission).

Conditions:
Inborn genetic diseases. Identifiers: MedGen C0950123, MeSH D030342.

Submission:

Ambry Genetics
Classification: Uncertain significance for Inborn genetic diseases. Last evaluated: 2024-11-20. Review status: criteria provided, single submitter. Criteria: Ambry Variant Classification Scheme 2023. Collection method: clinical testing. Allele origin: germline.
Comment: The p.L794P variant (also known as c.2381T>C), located in coding exon 25 of the RTEL1 gene, results from a T to C substitution at nucleotide position 2381. The leucine at codon 794 is replaced by proline, an amino acid with similar properties. This amino acid position is conserved. In addition, this alteration is predicted to be tolerated by in silico analysis. Based on the available evidence, the clinical significance of this variant remains unclear.